The following is an entry in ClinVar:

NM_001267550.2(TTN):c.30941T>C (p.Ile10314Thr)

Gene: TTN (titin; minus strand). Cytogenetic location: 2q31.2.
Variant type: single nucleotide variant.
Coding change: c.30941T>C on transcript NM_001267550.2 (MANE Select); coding-DNA position 30941, T replaced by C.
Protein change: p.Ile10314Thr; replaces isoleucine 10314 with threonine.
Molecular consequence: missense variant. On other transcripts: intron variant (3).
Genome position (GRCh38, 1-based): chr2:178,696,131, A>G on the plus strand (T>C on the coding strand, the complement: TTN is on the minus strand). VCF-style: chr2-178696131-A-G. GRCh37 (hg19) VCF-style: chr2-179560858-A-G.
Other names: c.29990T>C, p.Ile9997Thr (NM_001256850.1); c.27209T>C, p.Ile9070Thr (NM_133378.4); c.13282+41951T>C (NM_003319.4); c.13858+41951T>C (NM_133437.4); c.13657+41951T>C (NM_133432.3); short protein forms I10314T, I9070T, I9997T.
Identifiers: ClinVar variation 332896 (VCV000332896.15), dbSNP rs886055288, ClinGen allele CA10611689.

ClinVar aggregate classification (germline): Conflicting classifications of pathogenicity. Review status: criteria provided, conflicting classifications (1 of 4 stars). 12 submissions from 8 submitters: Uncertain significance (9); Likely benign (1). 2 of the submissions do not count toward it. Last evaluated 2026-07-06.

Conditions:
Dilated cardiomyopathy 1G (CMD1G). Identifiers: Orphanet 154, MedGen C1858763, MONDO:0011400, OMIM 604145.
Early-onset myopathy with fatal cardiomyopathy (CMYO5). Also called: Salih Myopathy; CONGENITAL MYOPATHY 5 WITH CARDIOMYOPATHY. Identifiers: Orphanet 289377, MedGen C2673677, MONDO:0012714, OMIM 611705. Disease mechanism: loss of function.
Myopathy, myofibrillar, 9, with early respiratory failure (MFM9). Also called: MYOPATHY, PROXIMAL, WITH EARLY RESPIRATORY MUSCLE INVOLVEMENT; Hereditary myopathy with early respiratory failure; Myopathy, distal, with early respiratory failure, autosomal dominant; EDSTROM MYOPATHY. Identifiers: Orphanet 178464, Orphanet 34521, MedGen C1863599, MONDO:0011362, OMIM 603689.
Autosomal recessive limb-girdle muscular dystrophy type 2J (LGMDR10). Also called: Limb-girdle muscular dystrophy, type 2J; MUSCULAR DYSTROPHY, LIMB-GIRDLE, AUTOSOMAL RECESSIVE 10. Identifiers: Orphanet 140922, MedGen C1837342, MONDO:0012127, OMIM 608807.
Tibial muscular dystrophy (TMD). Also called: UDD MYOPATHY; Tibial muscular dystrophy, tardive; Udd Distal Myopathy – Tibial Muscular Dystrophy. Identifiers: Orphanet 609, MedGen C1838244, MONDO:0010870, OMIM 600334.
TTN-related disorder. Also called: TTN-related disorders; TTN-related condition; TTN-related disease.

Allele frequency attached by ClinVar (database versions not stated): TOPMed 0.00003; gnomAD 0.00004 and 0.00005.
gnomAD v4.1: 40 of 1,552,324 alleles (0.0026%); highest among the groups gnomAD compares: African/African-American, 0.0068%; no homozygotes.

Submissions (12):

PreventionGenetics, part of Exact Sciences
Classification: Uncertain significance for TTN-related condition. Last evaluated: 2026-07-06. Review status: criteria provided, single submitter. Criteria: ACMG Guidelines, 2015. Collection method: clinical testing. Allele origin: germline.
Comment: The TTN c.30941T>C variant is predicted to result in the amino acid substitution p.Ile10314Thr. To our knowledge, this variant has not been reported in the literature. This variant is reported in 0.018% of alleles in individuals of African descent in gnomAD. At this time, the clinical significance of this variant is uncertain due to the absence of conclusive functional and genetic evidence.

Blueprint Genetics
Classification: Likely benign. Last evaluated: 2024-03-20. Review status: criteria provided, single submitter. Criteria: ACMG Guidelines, 2015. Collection method: clinical testing. Allele origin: germline.

Women's Health and Genetics/Laboratory Corporation of America, LabCorp
Classification: Uncertain significance. Last evaluated: 2024-01-01. Review status: criteria provided, single submitter. Criteria: LabCorp Variant Classification Summary - May 2015. Collection method: clinical testing. Allele origin: germline.

Revvity Omics, Revvity
Classification: Uncertain significance. Last evaluated: 2020-09-25. Review status: criteria provided, single submitter. Criteria: ACMG Guidelines, 2015. Collection method: clinical testing. Allele origin: germline.

Illumina Laboratory Services, Illumina
Classification: Uncertain significance for Early-onset myopathy with fatal cardiomyopathy. Last evaluated: 2018-01-12. Review status: criteria provided, single submitter. Criteria: ICSL Variant Classification Criteria 13 December 2019. Collection method: clinical testing. Allele origin: germline.

Illumina Laboratory Services, Illumina
Classification: Uncertain significance for Dilated cardiomyopathy 1G. Last evaluated: 2018-01-12. Review status: criteria provided, single submitter. Criteria: ICSL Variant Classification Criteria 13 December 2019. Collection method: clinical testing. Allele origin: germline.

Illumina Laboratory Services, Illumina
Classification: Uncertain significance for Myopathy, myofibrillar, 9, with early respiratory failure. Last evaluated: 2018-01-12. Review status: criteria provided, single submitter. Criteria: ICSL Variant Classification Criteria 13 December 2019. Collection method: clinical testing. Allele origin: germline.

Illumina Laboratory Services, Illumina
Classification: Uncertain significance for Tibial muscular dystrophy. Last evaluated: 2018-01-12. Review status: criteria provided, single submitter. Criteria: ICSL Variant Classification Criteria 13 December 2019. Collection method: clinical testing. Allele origin: germline.

Illumina Laboratory Services, Illumina
Classification: Uncertain significance for Autosomal recessive limb-girdle muscular dystrophy type 2J. Last evaluated: 2018-01-12. Review status: criteria provided, single submitter. Criteria: ICSL Variant Classification Criteria 13 December 2019. Collection method: clinical testing. Allele origin: germline.

Labcorp Genetics (formerly Invitae), Labcorp
Classification: Uncertain significance for Dilated cardiomyopathy 1G; Autosomal recessive limb-girdle muscular dystrophy type 2J. Last evaluated: 2017-08-15. Review status: criteria provided, single submitter. Criteria: Invitae Variant Classification Sherloc (09022015). Collection method: clinical testing. Allele origin: germline.

Clinical Genetics DNA and cytogenetics Diagnostics Lab, Erasmus MC, Erasmus Medical Center
Classification: Uncertain significance. Review status: no assertion criteria provided. Collection method: clinical testing. Allele origin: germline. Affected: yes. Study: VKGL Data-share Consensus. Not counted in ClinVar's aggregate classification.

Clinical Genetics, Academic Medical Center
Classification: Uncertain significance. Review status: no assertion criteria provided. Collection method: clinical testing. Allele origin: germline. Affected: yes. Study: VKGL Data-share Consensus. Not counted in ClinVar's aggregate classification.